The following is an entry in ClinVar:

ClinVar aggregate classification (germline): Conflicting classifications of pathogenicity. Review status: criteria provided, conflicting classifications (1 of 4 stars). 4 submissions from 4 submitters: Uncertain significance (1); Likely benign (3). Last evaluated 2025-12-23.

Conditions:
TMPRSS3-related disorder. Also called: TMPRSS3-related condition.
Autosomal recessive nonsyndromic hearing loss 8 (DFNB8). Also called: Deafness, autosomal recessive 10; NEUROSENSORY NONSYNDROMIC RECESSIVE DEAFNESS 8. Identifiers: Orphanet 90636, MedGen C1832827, MONDO:0010987, OMIM 601072.

Allele frequency attached by ClinVar (database versions not stated): 1000 Genomes Project 30x 0.00016; 1000 Genomes Project 0.00020; ExAC 0.00004; gnomAD 0.00007; gnomAD exomes 0.00008 and 0.00015; TOPMed 0.00011.
gnomAD v4.1: 230 of 1,614,114 alleles (0.014%); highest among the groups gnomAD compares: Non-Finnish European, 0.019%; no homozygotes.

Submissions (4):

PreventionGenetics, part of Exact Sciences
Classification: Likely benign for TMPRSS3-related condition. Last evaluated: 2025-12-23. Review status: criteria provided, single submitter. Criteria: ACMG Guidelines, 2015. Collection method: clinical testing. Allele origin: germline.
Comment: This variant is classified as likely benign based on ACMG/AMP sequence variant interpretation guidelines (Richards et al. 2015 PMID: 25741868, with internal and published modifications).

Labcorp Genetics (formerly Invitae), Labcorp
Classification: Likely benign. Last evaluated: 2025-01-23. Review status: criteria provided, single submitter. Criteria: Invitae Variant Classification Sherloc (09022015). Collection method: clinical testing. Allele origin: germline.

Illumina Laboratory Services, Illumina
Classification: Uncertain significance for Autosomal recessive nonsyndromic hearing loss 8. Last evaluated: 2018-01-12. Review status: criteria provided, single submitter. Criteria: ICSL Variant Classification Criteria 13 December 2019. Collection method: clinical testing. Allele origin: germline.

Laboratory for Molecular Medicine, Mass General Brigham Personalized Medicine
Classification: Likely benign. Last evaluated: 2012-04-10. Review status: criteria provided, single submitter. Criteria: LMM Criteria. Collection method: clinical testing. Allele origin: germline. Observed: 1 variant allele.
Comment: Leu325Leu in exon 10 of TMPRSS3: This variant is not expected to have clinical s ignificance because it does not alter an amino acid residue and is not located w ithin the splice consensus sequence.

NM_001256317.3(TMPRSS3):c.975G>T (p.Leu325=)

Gene: TMPRSS3 (transmembrane serine protease 3; minus strand). Cytogenetic location: 21q22.3.
Variant type: single nucleotide variant.
Coding change: c.975G>T on transcript NM_001256317.3 (MANE Select); coding-DNA position 975, G replaced by T.
Protein change: p.Leu325=; no amino-acid change (leucine 325 retained).
Molecular consequence: synonymous variant.
Genome position (GRCh38, 1-based): chr21:42,380,190, C>A on the plus strand (G>T on the coding strand, the complement: TMPRSS3 is on the minus strand). VCF-style: chr21-42380190-C-A. GRCh37 (hg19) VCF-style: chr21-43800299-C-A.
Other names: c.975G>T, p.Leu325= (NM_024022.4); c.594G>T, p.Leu198= (NM_032404.3).
Identifiers: ClinVar variation 46134 (VCV000046134.19), dbSNP rs397517379, ClinGen allele CA137735.